The following is an entry in ClinVar:

NM_007194.4(CHEK2):c.1462-7C>T

Gene: CHEK2 (checkpoint kinase 2; minus strand). Cytogenetic location: 22q12.1.
Variant type: single nucleotide variant.
Coding change: c.1462-7C>T on transcript NM_007194.4 (MANE Select); 7 bases into the intron before coding-DNA position 1462, C replaced by T.
Molecular consequence: intron variant.
Genome position (GRCh38, 1-based): chr22:28,689,222, G>A on the plus strand (C>T on the coding strand, the complement: CHEK2 is on the minus strand). VCF-style: chr22-28689222-G-A. GRCh37 (hg19) VCF-style: chr22-29085210-G-A.
Other names: c.799-7C>T (NM_001437942.1, NM_001257387.3); c.1261-7C>T (NM_001349956.3); c.1375-7C>T (NM_145862.3); c.1468-7C>T (NM_001438295.1); c.1555-7C>T (NM_001438293.1); c.1504-7C>T (NM_001438294.1); c.1591-7C>T (NM_001005735.3).
Identifiers: ClinVar variation 3773623 (VCV003773623.1).

ClinVar aggregate classification (germline): Likely benign (1 of 4 stars; one submission).

Conditions:
Familial cancer of breast. Also called: Hereditary breast cancer; BREAST CANCER, FAMILIAL; hereditary breast carcinoma. Identifiers: Orphanet 227535, MedGen C0346153, MONDO:0016419, OMIM 114480. Disease mechanism: loss of function.

Submission:

Myriad Genetics, Inc.
Classification: Likely benign for Familial cancer of breast. Last evaluated: 2024-10-08. Review status: criteria provided, single submitter. Criteria: Myriad Autosomal Dominant, Autosomal Recessive and X-Linked Classification Criteria (2023). Collection method: clinical testing. Allele origin: unknown.
Comment: This variant is considered likely benign. This variant is intronic and is not expected to impact mRNA splicing.